The following is an entry in ClinVar:

ClinVar aggregate classification (germline): Uncertain significance. Review status: criteria provided, multiple submitters, no conflicts (2 of 4 stars). 3 submissions from 3 submitters: Uncertain significance (3). Last evaluated 2026-05-01.

Conditions:
Episodic ataxia type 2 (EA2). Also called: ATAXIA, EPISODIC, WITH NYSTAGMUS; ATAXIA, FAMILIAL PAROXYSMAL; CEREBELLAR ATAXIA, PAROXYSMAL, ACETAZOLAMIDE-RESPONSIVE; CEREBELLOPATHY, HEREDITARY PAROXYSMAL; EPISODIC ATAXIA, NYSTAGMUS-ASSOCIATED; ACETAZOLAMIDE-RESPONSIVE HEREDITARY PAROXYSMAL CEREBELLAR ATAXIA. Identifiers: Orphanet 97, MedGen C1720416, MONDO:0007163, OMIM 108500.
Developmental and epileptic encephalopathy, 42 (DEE42A). Also called: Epileptic encephalopathy, early infantile, 42; DEVELOPMENTAL AND EPILEPTIC ENCEPHALOPATHY 42A; EPILEPTIC ENCEPHALOPATHY, EARLY INFANTILE, 42A. Identifiers: MedGen C4310716, MONDO:0014917, OMIM 617106.

Submissions (3):

CeGaT Center for Human Genetics Tuebingen
Classification: Uncertain significance. Last evaluated: 2026-05-01. Review status: criteria provided, single submitter. Criteria: CeGaT Center For Human Genetics Tuebingen Variant Classification Criteria Version 2. Collection method: clinical testing. Allele origin: germline. Affected: yes. Observed: 1 variant allele.
Comment: CACNA1A: PM2, PP3

Labcorp Genetics (formerly Invitae), Labcorp
Classification: Uncertain significance for Developmental and epileptic encephalopathy, 42; Episodic ataxia type 2. Last evaluated: 2025-09-10. Review status: criteria provided, single submitter. Criteria: Invitae Variant Classification Sherloc (09022015). Collection method: clinical testing. Allele origin: germline.
Comment: This sequence change replaces histidine, which is basic and polar, with arginine, which is basic and polar, at codon 935 of the CACNA1A protein (p.His935Arg). This variant is not present in population databases (gnomAD no frequency). This variant has not been reported in the literature in individuals affected with CACNA1A-related conditions. ClinVar contains an entry for this variant (Variation ID: 2951352). Invitae Evidence Modeling of protein sequence and biophysical properties (such as structural, functional, and spatial information, amino acid conservation, physicochemical variation, residue mobility, and thermodynamic stability) indicates that this missense variant is not expected to disrupt CACNA1A protein function with a negative predictive value of 95%. In summary, the available evidence is currently insufficient to determine the role of this variant in disease. Therefore, it has been classified as a Variant of Uncertain Significance.

Athena Diagnostics
Classification: Uncertain significance. Last evaluated: 2024-11-19. Review status: criteria provided, single submitter. Criteria: Athena Diagnostics Criteria. Collection method: clinical testing. Allele origin: unknown.
Comment: Available data are insufficient to determine the clinical significance of the variant at this time. This variant has not been reported in large, multi-ethnic general populations. Polyphen and MutationTaster predict this amino acid change may be benign.

NM_001127222.2(CACNA1A):c.2801A>G (p.His934Arg)

Gene: CACNA1A (calcium voltage-gated channel subunit alpha1 A; minus strand). Cytogenetic location: 19p13.13.
Variant type: single nucleotide variant.
Coding change: c.2801A>G on transcript NM_001127222.2 (MANE Select); coding-DNA position 2801, A replaced by G.
Protein change: p.His934Arg; replaces histidine 934 with arginine.
Molecular consequence: missense variant.
Genome position (GRCh38, 1-based): chr19:13,298,832, T>C on the plus strand (A>G on the coding strand, the complement: CACNA1A is on the minus strand). VCF-style: chr19-13298832-T-C. GRCh37 (hg19) VCF-style: chr19-13409646-T-C.
Other names: c.2813A>G, p.His938Arg (NM_000068.4, NM_023035.3); c.2804A>G, p.His935Arg (NM_001127221.2, NM_001174080.2); c.2804A>G (NM_000068.2); short protein forms H935R, H934R, H938R.
Identifiers: ClinVar variation 2951352 (VCV002951352.6), dbSNP rs2512906984, ClinGen allele CA404342686.